The following is an entry in ClinVar:

ClinVar aggregate classification (germline): Uncertain significance (1 of 4 stars; one submission).

gnomAD v4.1: 2 of 1,614,166 alleles (0.00012%); highest among the groups gnomAD compares: South Asian, 0.0022%; no homozygotes.

Submission:

GeneDx
Classification: Uncertain significance. Last evaluated: 2026-02-03. Review status: criteria provided, single submitter. Criteria: GeneDx Variant Classification Process June 2021. Collection method: clinical testing. Allele origin: germline.
Comment: Not observed at significant frequency in large population cohorts (gnomAD); In silico analysis supports that this missense variant has a deleterious effect on protein structure/function; Has not been previously published as pathogenic or benign to our knowledge

NM_012123.4(MTO1):c.640G>A (p.Gly214Arg)

Gene: MTO1 (mitochondrial tRNA translation optimization 1; plus strand). Cytogenetic location: 6q13.
Variant type: single nucleotide variant.
Coding change: c.640G>A on transcript NM_012123.4 (MANE Select); coding-DNA position 640, G replaced by A.
Protein change: p.Gly214Arg; replaces glycine 214 with arginine.
Molecular consequence: missense variant.
Genome position (GRCh38, 1-based): chr6:73,473,469, G>A. VCF-style: chr6-73473469-G-A. GRCh37 (hg19) VCF-style: chr6-74183192-G-A.
Other names: c.640G>A, p.Gly214Arg (NM_001123226.2, NM_133645.3); short protein forms G214R.
Identifiers: ClinVar variation 4975929 (VCV004975929.1).